The following is an entry in ClinVar:

NM_014855.3(AP5Z1):c.1957T>A (p.Tyr653Asn)

Gene: AP5Z1 (adaptor related protein complex 5 subunit zeta 1; plus strand). Cytogenetic location: 7p22.1.
Variant type: single nucleotide variant.
Coding change: c.1957T>A on transcript NM_014855.3 (MANE Select); coding-DNA position 1957, T replaced by A.
Protein change: p.Tyr653Asn; replaces tyrosine 653 with asparagine.
Molecular consequence: missense variant. On other transcripts: non-coding transcript variant (1).
Genome position (GRCh38, 1-based): chr7:4,790,691, T>A. VCF-style: chr7-4790691-T-A. GRCh37 (hg19) VCF-style: chr7-4830322-T-A.
Other names: c.1489T>A, p.Tyr497Asn (NM_001364858.1); short protein forms Y497N, Y653N.
Identifiers: ClinVar variation 2442594 (VCV002442594.1), dbSNP rs1228766791, ClinGen allele CA366664491.

ClinVar aggregate classification (germline): Uncertain significance (1 of 4 stars; one submission).

Allele frequency attached by ClinVar (database versions not stated): gnomAD exomes below 0.00001; TOPMed 0.00001.
gnomAD v4.1: 1 of 1,611,784 alleles (0.000062%); highest among the groups gnomAD compares: Admixed American, 0.0017%; no homozygotes.

Submission:

GeneDx
Classification: Uncertain significance. Last evaluated: 2022-08-30. Review status: criteria provided, single submitter. Criteria: GeneDx Variant Classification Process June 2021. Collection method: clinical testing. Allele origin: germline. Affected: yes.
Comment: Not observed at significant frequency in large population cohorts (gnomAD); In silico analysis supports that this missense variant has a deleterious effect on protein structure/function; Has not been previously published as pathogenic or benign to our knowledge